The following is an entry in ClinVar:

ClinVar aggregate classification (germline): Uncertain significance (1 of 4 stars; one submission).

Conditions:
Majeed syndrome (MJDS). Also called: CHRONIC RECURRENT MULTIFOCAL OSTEOMYELITIS 1, WITH CONGENITAL DYSERYTHROPOIETIC ANEMIA, WITH OR WITHOUT NEUTROPHILIC DERMATOSIS; LPIN2-Related Majeed Syndrome. Identifiers: Orphanet 77297, MedGen C1864997, MONDO:0012316, OMIM 609628.

Allele frequency attached by ClinVar (database versions not stated): gnomAD exomes below 0.00001 and 0.00001; ExAC 0.00002.
gnomAD v4.1: 4 of 1,613,508 alleles (0.00025%); highest among the groups gnomAD compares: South Asian, 0.0011%; no homozygotes.

Submission:

Labcorp Genetics (formerly Invitae), Labcorp
Classification: Uncertain significance for Majeed syndrome. Last evaluated: 2021-08-13. Review status: criteria provided, single submitter. Criteria: Invitae Variant Classification Sherloc (09022015). Collection method: clinical testing. Allele origin: germline.
Comment: This sequence change replaces serine with leucine at codon 697 of the LPIN2 protein (p.Ser697Leu). The serine residue is highly conserved and there is a large physicochemical difference between serine and leucine. This variant is present in population databases (rs754622332, ExAC 0.005%). This variant has not been reported in the literature in individuals affected with LPIN2-related conditions. Algorithms developed to predict the effect of missense changes on protein structure and function (SIFT, PolyPhen-2, Align-GVGD) all suggest that this variant is likely to be disruptive. In summary, the available evidence is currently insufficient to determine the role of this variant in disease. Therefore, it has been classified as a Variant of Uncertain Significance.

NM_001375808.2(LPIN2):c.2090C>T (p.Ser697Leu)

Gene: LPIN2 (lipin 2; minus strand). Cytogenetic location: 18p11.31.
Variant type: single nucleotide variant.
Coding change: c.2090C>T on transcript NM_001375808.2 (MANE Select); coding-DNA position 2090, C replaced by T.
Protein change: p.Ser697Leu; replaces serine 697 with leucine.
Molecular consequence: missense variant.
Genome position (GRCh38, 1-based): chr18:2,923,859, G>A on the plus strand (C>T on the coding strand, the complement: LPIN2 is on the minus strand). VCF-style: chr18-2923859-G-A. GRCh37 (hg19) VCF-style: chr18-2923857-G-A.
Other names: c.2090C>T, p.Ser697Leu (NM_001375809.1, NM_014646.2); short protein forms S697L.
Identifiers: ClinVar variation 1041058 (VCV001041058.6), dbSNP rs754622332, ClinGen allele CA8872845.
Genomic context (GRCh38, chr18:2,923,859, plus strand): 5'-GCTATACCCTGGTGGGTCCAGTCTTTGCCCAGCTGTGGGAGAATCTGTCCCAAAGCATCC[G>A]ACCTAAGAAGACGGTAGAAACAGGAAAAGCTATCAGGAATCAAACACATACAGCGTTTTC-3'
Protein context (NP_001362737.1, residues 687-707): ISDIDGTITK[Ser697Leu]DALGQILPQL